The following is an entry in ClinVar:

ClinVar aggregate classification (germline): Conflicting classifications of pathogenicity. Review status: criteria provided, conflicting classifications (1 of 4 stars). 7 submissions from 7 submitters: Uncertain significance (5); Likely benign (1). 1 of the submissions does not count toward it. Last evaluated 2025-09-14.

Conditions:
BARD1-related disorder. Also called: BARD1-related condition.
Hereditary cancer-predisposing syndrome. Also called: Tumor predisposition; Neoplastic Syndromes, Hereditary; Hereditary neoplastic syndrome; Hereditary Cancer Syndrome. Identifiers: Orphanet 140162, MedGen C0027672, MeSH D009386, MONDO:0015356.
Familial cancer of breast. Also called: Hereditary breast cancer; hereditary breast carcinoma; BREAST CANCER, FAMILIAL. Identifiers: Orphanet 227535, MedGen C0346153, MONDO:0016419, OMIM 114480. Disease mechanism: loss of function.

Allele frequency attached by ClinVar (database versions not stated): TOPMed 0.00001.
gnomAD v4.1: 2 of 1,614,244 alleles (0.00012%); no homozygotes.

Submissions (7):

Labcorp Genetics (formerly Invitae), Labcorp
Classification: Uncertain significance for Familial cancer of breast. Last evaluated: 2025-09-14. Review status: criteria provided, single submitter. Criteria: Invitae Variant Classification Sherloc (09022015). Collection method: clinical testing. Allele origin: germline.
Comment: This sequence change replaces phenylalanine, which is neutral and non-polar, with leucine, which is neutral and non-polar, at codon 732 of the BARD1 protein (p.Phe732Leu). This variant is not present in population databases (gnomAD no frequency). This variant has not been reported in the literature in individuals affected with BARD1-related conditions. ClinVar contains an entry for this variant (Variation ID: 495876). An algorithm developed to predict the effect of missense changes on protein structure and function (PolyPhen-2) suggests that this variant is likely to be tolerated. In summary, the available evidence is currently insufficient to determine the role of this variant in disease. Therefore, it has been classified as a Variant of Uncertain Significance.

Ambry Genetics
Classification: Likely benign for Hereditary cancer-predisposing syndrome. Last evaluated: 2025-09-08. Review status: criteria provided, single submitter. Criteria: Ambry Variant Classification Scheme 2023. Collection method: clinical testing. Allele origin: germline.

Color Diagnostics, LLC DBA Color Health
Classification: Uncertain significance for Hereditary cancer-predisposing syndrome. Last evaluated: 2025-03-04. Review status: criteria provided, single submitter. Criteria: ACMG Guidelines, 2015. Collection method: clinical testing. Allele origin: germline.
Comment: This missense variant replaces phenylalanine with leucine at codon 732 of the BARD1 protein. Computational prediction suggests that this variant may not impact protein structure and function. To our knowledge, functional studies have not been reported for this variant. This variant has not been reported in individuals affected with BARD1-related disorders in the literature. This variant has not been identified in the general population by the Genome Aggregation Database (gnomAD). The available evidence is insufficient to determine the role of this variant in disease conclusively. Therefore, this variant is classified as a Variant of Uncertain Significance.

Women's Health and Genetics/Laboratory Corporation of America, LabCorp
Classification: Uncertain significance. Last evaluated: 2025-01-27. Review status: criteria provided, single submitter. Criteria: LabCorp Variant Classification Summary - May 2015. Collection method: clinical testing. Allele origin: germline.
Comment: Variant summary: BARD1 c.2196C>G (p.Phe732Leu) results in a non-conservative amino acid change located in the BRCT domain (IPR001357) of the encoded protein sequence. Three of five in-silico tools predict a benign effect of the variant on protein function. The variant was absent in 251348 control chromosomes. The available data on variant occurrences in the general population are insufficient to allow any conclusion about variant significance. To our knowledge, no occurrence of c.2196C>G in individuals affected with Hereditary Breast And Ovarian Cancer Syndrome and no experimental evidence demonstrating its impact on protein function have been reported. ClinVar contains an entry for this variant (Variation ID: 495876). Based on the evidence outlined above, the variant was classified as uncertain significance.

Baylor Genetics
Classification: Uncertain significance for Familial cancer of breast. Last evaluated: 2023-08-21. Review status: criteria provided, single submitter. Criteria: ACMG Guidelines, 2015. Collection method: clinical testing. Allele origin: unknown.

GeneDx
Classification: Uncertain significance. Last evaluated: 2021-04-16. Review status: criteria provided, single submitter. Criteria: GeneDx Variant Classification Process June 2021. Collection method: clinical testing. Allele origin: germline. Affected: yes.
Comment: Not observed in large population cohorts (Lek et al., 2016); In silico analysis supports that this missense variant does not alter protein structure/function; Has not been previously published as pathogenic or benign to our knowledge

PreventionGenetics, part of Exact Sciences
Classification: Uncertain significance for BARD1-related condition. Last evaluated: 2024-08-14. Review status: no assertion criteria provided. Collection method: clinical testing. Allele origin: germline. Not counted in ClinVar's aggregate classification.
Comment: The BARD1 c.2196C>G variant is predicted to result in the amino acid substitution p.Phe732Leu. To our knowledge, this variant has not been reported in the literature or in a large population database, indicating this variant is rare. This variant is classified as a variant of uncertain significance in ClinVar. At this time, the clinical significance of this variant is uncertain due to the absence of conclusive functional and genetic evidence.

NM_000465.4(BARD1):c.2196C>G (p.Phe732Leu)

Gene: BARD1 (BRCA1 associated RING domain 1; minus strand). Cytogenetic location: 2q35.
Variant type: single nucleotide variant.
Coding change: c.2196C>G on transcript NM_000465.4 (MANE Select); coding-DNA position 2196, C replaced by G.
Protein change: p.Phe732Leu; replaces phenylalanine 732 with leucine.
Molecular consequence: missense variant. On other transcripts: non-coding transcript variant (3).
Genome position (GRCh38, 1-based): chr2:214,728,814, G>C on the plus strand (C>G on the coding strand, the complement: BARD1 is on the minus strand). VCF-style: chr2-214728814-G-C. GRCh37 (hg19) VCF-style: chr2-215593538-G-C.
Other names: c.2139C>G, p.Phe713Leu (NM_001282543.2); c.843C>G, p.Phe281Leu (NM_001282545.2); c.786C>G, p.Phe262Leu (NM_001282548.2); c.657C>G, p.Phe219Leu (NM_001282549.2); short protein forms F732L, F262L, F281L, F713L, F219L.
Identifiers: ClinVar variation 495876 (VCV000495876.27), dbSNP rs1553612117, ClinGen allele CA350450272.
Genomic context (GRCh38, chr2:214,728,814, plus strand): 5'-CTGCCGAACCCTCTCTGGGTGATAATTACACAAATCTTCATAGATGATATACTGTGTGCA[G>C]AAGCGCTGATCAGAATCGGGTCTCGCATGGTATGCGACTGTATTGATGGTCTGAGTCACG-3'
Protein context (NP_000456.2, residues 722-742): YHARPDSDQR[Phe732Leu]CTQYIIYEDL